The following is an entry in ClinVar:

ClinVar aggregate classification (germline): Uncertain significance (1 of 4 stars; one submission).

Allele frequency attached by ClinVar (database versions not stated): gnomAD exomes below 0.00001.
gnomAD v4.1: 1 of 1,614,174 alleles (0.000062%); highest among the groups gnomAD compares: Non-Finnish European, 0.000085%; no homozygotes.

Submission:

Labcorp Genetics (formerly Invitae), Labcorp
Classification: Uncertain significance. Last evaluated: 2022-09-07. Review status: criteria provided, single submitter. Criteria: Invitae Variant Classification Sherloc (09022015). Collection method: clinical testing. Allele origin: germline.
Comment: This sequence change replaces proline, which is neutral and non-polar, with serine, which is neutral and polar, at codon 435 of the HPS6 protein (p.Pro435Ser). This variant is not present in population databases (gnomAD no frequency). This variant has not been reported in the literature in individuals affected with HPS6-related conditions. Algorithms developed to predict the effect of missense changes on protein structure and function (SIFT, PolyPhen-2, Align-GVGD) all suggest that this variant is likely to be disruptive. In summary, the available evidence is currently insufficient to determine the role of this variant in disease. Therefore, it has been classified as a Variant of Uncertain Significance.

NM_024747.6(HPS6):c.1303C>T (p.Pro435Ser)

Gene: HPS6 (HPS6 biogenesis of lysosomal organelles complex 2 subunit 3; plus strand). Cytogenetic location: 10q24.32.
Variant type: single nucleotide variant.
Coding change: c.1303C>T on transcript NM_024747.6 (MANE Select); coding-DNA position 1303, C replaced by T.
Protein change: p.Pro435Ser; replaces proline 435 with serine.
Molecular consequence: missense variant.
Genome position (GRCh38, 1-based): chr10:102,066,777, C>T. VCF-style: chr10-102066777-C-T. GRCh37 (hg19) VCF-style: chr10-103826534-C-T.
Other names: short protein forms P435S.
Identifiers: ClinVar variation 2004225 (VCV002004225.1), dbSNP rs1044297773, ClinGen allele CA377866218.